The following is an entry in ClinVar:

ClinVar aggregate classification (germline): Uncertain significance. Review status: criteria provided, multiple submitters, no conflicts (2 of 4 stars). 2 submissions from 2 submitters: Uncertain significance (2). Last evaluated 2025-06-17.

Submissions (2):

Ambry Genetics
Classification: Uncertain significance. Last evaluated: 2025-06-17. Review status: criteria provided, single submitter. Criteria: Ambry Variant Classification Scheme 2023. Collection method: clinical testing. Allele origin: germline.
Comment: The p.T221I variant (also known as c.662C>T), located in coding exon 1 of the TET2 gene, results from a C to T substitution at nucleotide position 662. The threonine at codon 221 is replaced by isoleucine, an amino acid with similar properties. This amino acid position is conserved. In addition, this alteration is predicted to be tolerated by in silico analysis. Based on the available evidence, the clinical significance of this variant remains unclear.

Labcorp Genetics (formerly Invitae), Labcorp
Classification: Uncertain significance. Last evaluated: 2024-08-16. Review status: criteria provided, single submitter. Criteria: Invitae Variant Classification Sherloc (09022015). Collection method: clinical testing. Allele origin: germline.
Comment: This sequence change replaces threonine, which is neutral and polar, with isoleucine, which is neutral and non-polar, at codon 221 of the TET2 protein (p.Thr221Ile). This variant is not present in population databases (gnomAD no frequency). This variant has not been reported in the literature in individuals affected with TET2-related conditions. An algorithm developed to predict the effect of missense changes on protein structure and function (PolyPhen-2) suggests that this variant is likely to be disruptive. In summary, the available evidence is currently insufficient to determine the role of this variant in disease. Therefore, it has been classified as a Variant of Uncertain Significance.

NM_001127208.3(TET2):c.662C>T (p.Thr221Ile)

Genes: TET2 (tet methylcytosine dioxygenase 2; plus strand), TET2-AS1 (TET2 antisense RNA 1; minus strand). Cytogenetic location: 4q24.
Variant type: single nucleotide variant.
Coding change: c.662C>T on transcript NM_001127208.3 (MANE Select); coding-DNA position 662, C replaced by T.
Protein change: p.Thr221Ile; replaces threonine 221 with isoleucine.
Molecular consequence: missense variant.
Genome position (GRCh38, 1-based): chr4:105,234,604, C>T. VCF-style: chr4-105234604-C-T. GRCh37 (hg19) VCF-style: chr4-106155761-C-T.
Other names: c.662C>T, p.Thr221Ile (NM_017628.4); short protein forms T221I.
Identifiers: ClinVar variation 3678212 (VCV003678212.3).